The following is an entry in ClinVar:

NM_006950.3(SYN1):c.1392G>C (p.Gln464His)

Gene: SYN1 (synapsin I; minus strand). Cytogenetic location: Xp11.3.
Variant type: single nucleotide variant.
Coding change: c.1392G>C on transcript NM_006950.3 (MANE Select); coding-DNA position 1392, G replaced by C.
Protein change: p.Gln464His; replaces glutamine 464 with histidine.
Molecular consequence: missense variant.
Genome position (GRCh38, 1-based): chrX:47,574,689, C>G on the plus strand (G>C on the coding strand, the complement: SYN1 is on the minus strand). VCF-style: chrX-47574689-C-G. GRCh37 (hg19) VCF-style: chrX-47434088-C-G.
Other names: c.1392G>C, p.Gln464His (NM_133499.2); short protein forms Q464H.
Identifiers: ClinVar variation 4689412 (VCV004689412.1).
Genomic context (GRCh38, chrX:47,574,689, plus strand): 5'-GAGCGGGTAAGAGATGGCGGGCTGAGGGAGGGGACTGCGACCGCCAGCCTCTCGCTTACC[C>G]TGTGGTGGGGGTCGCTGCTGAGCCGGGGGCCCTGCGGGCTGCTGGGAGGTCTGGCGGCCC-3'
Protein context (NP_008881.2, residues 454-474): GPPAQQRPPP[Gln464His]GGPPQPGPGP

ClinVar aggregate classification (germline): Uncertain significance (1 of 4 stars; one submission).

Submission:

Women's Health and Genetics/Laboratory Corporation of America, LabCorp
Classification: Uncertain significance. Last evaluated: 2026-01-27. Review status: criteria provided, single submitter. Criteria: LabCorp Variant Classification Summary - May 2015. Collection method: clinical testing. Allele origin: germline.
Comment: Variant summary: SYN1 c.1392G>C (p.Gln464His) results in a non-conservative amino acid change in the encoded protein sequence. Algorithms developed to predict the effect of missense changes on protein structure and function are either unavailable or do not agree on the potential impact of this missense change. Consensus agreement among computation tools predict no significant impact on normal splicing. However, these predictions have yet to be confirmed by functional studies. The variant was absent in 124839 control chromosomes. The available data on variant occurrences in the general population are insufficient to allow any conclusion about variant significance. To our knowledge, no occurrence of c.1392G>C in individuals affected with SYN1-related conditions and no experimental evidence demonstrating its impact on protein function have been reported. No submitters have cited clinical-significance assessments for this variant to ClinVar. Based on the evidence outlined above, the variant was classified as uncertain significance.